The following is an entry in ClinVar:

ClinVar aggregate classification (germline): Uncertain significance (1 of 4 stars; one submission).

Conditions:
Inborn genetic diseases. Identifiers: MedGen C0950123, MeSH D030342.

gnomAD v4.1: 12 of 1,613,964 alleles (0.00074%); highest among the groups gnomAD compares: Non-Finnish European, 0.00093%; no homozygotes.

Submission:

Ambry Genetics
Classification: Uncertain significance for Inborn genetic diseases. Last evaluated: 2026-03-31. Review status: criteria provided, single submitter. Criteria: Ambry Variant Classification Scheme 2023. Collection method: clinical testing. Allele origin: germline.
Comment: The c.2373C>A (p.F791L) alteration is located in exon 22 (coding exon 20) of the MACF1 gene. This alteration results from a C to A substitution at nucleotide position 2373, causing the phenylalanine (F) at amino acid position 791 to be replaced by a leucine (L). Based on data from gnomAD, the A allele has an overall frequency of <0.001% (1/251460) total alleles studied. The highest observed frequency was 0.001% (1/113746) of European (non-Finnish) alleles. Based on insufficient or conflicting evidence, the clinical significance of this alteration remains unclear.

NM_001394062.1(MACF1):c.2358C>A (p.Phe786Leu)

Gene: MACF1 (microtubule actin crosslinking factor 1; plus strand). Cytogenetic location: 1p34.3.
Variant type: single nucleotide variant.
Coding change: c.2358C>A on transcript NM_001394062.1 (MANE Select); coding-DNA position 2358, C replaced by A.
Protein change: p.Phe786Leu; replaces phenylalanine 786 with leucine.
Molecular consequence: missense variant.
Genome position (GRCh38, 1-based): chr1:39,297,622, C>A. VCF-style: chr1-39297622-C-A. GRCh37 (hg19) VCF-style: chr1-39763294-C-A.
Other names: c.2373C>A, p.Phe791Leu (NM_012090.5); short protein forms F786L, F791L.
Identifiers: ClinVar variation 4859445 (VCV004859445.1).